The following is an entry in ClinVar:

ClinVar aggregate classification (germline): Uncertain significance (1 of 4 stars; one submission).

Submission:

GeneDx
Classification: Uncertain significance. Last evaluated: 2026-06-05. Review status: criteria provided, single submitter. Criteria: GeneDx Variant Classification Process June 2021. Collection method: clinical testing. Allele origin: germline.
Comment: Not observed at significant frequency in large population cohorts (gnomAD); In silico analysis supports that this missense variant has a deleterious effect on protein structure/function; Has not been previously published as pathogenic or benign to our knowledge.

NM_001112741.2(KCNC1):c.1692G>T (p.Lys564Asn)

Gene: KCNC1 (potassium voltage-gated channel subfamily C member 1; plus strand). Cytogenetic location: 11p15.1.
Variant type: single nucleotide variant.
Coding change: c.1692G>T on transcript NM_001112741.2 (MANE Select); coding-DNA position 1692, G replaced by T.
Protein change: p.Lys564Asn; replaces lysine 564 with asparagine.
Molecular consequence: missense variant.
Genome position (GRCh38, 1-based): chr11:17,779,643, G>T. VCF-style: chr11-17779643-G-T. GRCh37 (hg19) VCF-style: chr11-17801190-G-T.
Other names: short protein forms K564N.
Identifiers: ClinVar variation 3360202 (VCV003360202.2).